The following is an entry in ClinVar:

NM_002769.5(PRSS1):c.702C>A (p.Asn234Lys)

Genes: TRB (T cell receptor beta locus; plus strand), PRSS1 (serine protease 1; plus strand). Cytogenetic location: 7q34.
Variant type: single nucleotide variant.
Coding change: c.702C>A on transcript NM_002769.5 (MANE Select); coding-DNA position 702, C replaced by A.
Protein change: p.Asn234Lys; replaces asparagine 234 with lysine.
Molecular consequence: missense variant.
Genome position (GRCh38, 1-based): chr7:142,752,978, C>A. VCF-style: chr7-142752978-C-A. GRCh37 (hg19) VCF-style: chr7-142460829-C-A.
Other names: c.702C>A (NM_002769.4); short protein forms N234K.
Identifiers: ClinVar variation 1057102 (VCV001057102.11), dbSNP rs773353079, ClinGen allele CA4530144.

ClinVar aggregate classification (germline): Uncertain significance. Review status: criteria provided, multiple submitters, no conflicts (2 of 4 stars). 2 submissions from 2 submitters: Uncertain significance (2). Last evaluated 2025-04-16.

Conditions:
Hereditary pancreatitis (PCTT). Also called: Hereditary chronic pancreatitis; PRSS1-Related Hereditary Pancreatitis. Identifiers: Orphanet 676, MedGen C0238339, MONDO:0008185, OMIM 167800.

Allele frequency attached by ClinVar (database versions not stated): TOPMed below 0.00001; gnomAD exomes 0.00001 and 0.00002; ExAC 0.00002.
gnomAD v4.1: 5 of 1,613,782 alleles (0.00031%); highest among the groups gnomAD compares: Admixed American, 0.0083%; no homozygotes.

Submissions (2):

Ambry Genetics
Classification: Uncertain significance for Hereditary pancreatitis. Last evaluated: 2025-04-16. Review status: criteria provided, single submitter. Criteria: Ambry Variant Classification Scheme 2023. Collection method: clinical testing. Allele origin: germline.
Comment: The p.N234K variant (also known as c.702C>A), located in coding exon 5 of the PRSS1 gene, results from a C to A substitution at nucleotide position 702. The asparagine at codon 234 is replaced by lysine, an amino acid with similar properties. This amino acid position is conserved. In addition, this alteration is predicted to be tolerated by in silico analysis. Since supporting evidence is limited at this time, the clinical significance of this alteration remains unclear.

Labcorp Genetics (formerly Invitae), Labcorp
Classification: Uncertain significance for Hereditary pancreatitis. Last evaluated: 2020-09-04. Review status: criteria provided, single submitter. Criteria: Invitae Variant Classification Sherloc (09022015). Collection method: clinical testing. Allele origin: germline.
Comment: This variant is present in population databases (rs773353079, ExAC 0.02%). In summary, the available evidence is currently insufficient to determine the role of this variant in disease. Therefore, it has been classified as a Variant of Uncertain Significance. Algorithms developed to predict the effect of missense changes on protein structure and function output the following: SIFT: "Deleterious"; PolyPhen-2: "Benign"; Align-GVGD: "Class C0". The lysine amino acid residue is found in multiple mammalian species, suggesting that this missense change does not adversely affect protein function. These predictions have not been confirmed by published functional studies and their clinical significance is uncertain. This variant has not been reported in the literature in individuals with PRSS1-related conditions. This sequence change replaces asparagine with lysine at codon 234 of the PRSS1 protein (p.Asn234Lys). The asparagine residue is highly conserved and there is a moderate physicochemical difference between asparagine and lysine.